The following is an entry in ClinVar:

NM_023077.3(COA7):c.653A>T (p.His218Leu)

Gene: COA7 (cytochrome c oxidase assembly factor 7; minus strand). Cytogenetic location: 1p32.3.
Variant type: single nucleotide variant.
Coding change: c.653A>T on transcript NM_023077.3 (MANE Select); coding-DNA position 653, A replaced by T.
Protein change: p.His218Leu; replaces histidine 218 with leucine.
Molecular consequence: missense variant.
Genome position (GRCh38, 1-based): chr1:52,687,763, T>A on the plus strand (A>T on the coding strand, the complement: COA7 is on the minus strand). VCF-style: chr1-52687763-T-A. GRCh37 (hg19) VCF-style: chr1-53153435-T-A.
Other names: short protein forms H218L.
Identifiers: ClinVar variation 2084591 (VCV002084591.1), dbSNP rs749085751, ClinGen allele CA855617.
Genomic context (GRCh38, chr1:52,687,763, plus strand): 5'-AGGGAGGGTGGACCACATTACCCAAATGTTAAGGGTTGGACACCTTTCTGCTGTTCTTTG[T>A]GTAGCTGCTGGGCTCGATTTTTTAGCACCTCGGCCTTGGCCTCATCCTTATCAACACCAT-3'
Protein context (NP_075565.2, residues 208-228): EVLKNRAQQL[His218Leu]KEQQKGVQPL

ClinVar aggregate classification (germline): Uncertain significance (1 of 4 stars; one submission).

Allele frequency attached by ClinVar (database versions not stated): gnomAD 0.00001; gnomAD exomes 0.00001; ExAC 0.00002; TOPMed 0.00002.
gnomAD v4.1: 23 of 1,614,142 alleles (0.0014%); highest among the groups gnomAD compares: Middle Eastern, 0.016%; no homozygotes.

Submission:

Labcorp Genetics (formerly Invitae), Labcorp
Classification: Uncertain significance. Last evaluated: 2022-08-22. Review status: criteria provided, single submitter. Criteria: Invitae Variant Classification Sherloc (09022015). Collection method: clinical testing. Allele origin: germline.
Comment: This sequence change replaces histidine, which is basic and polar, with leucine, which is neutral and non-polar, at codon 218 of the COA7 protein (p.His218Leu). This variant is present in population databases (rs749085751, gnomAD 0.003%). This variant has not been reported in the literature in individuals affected with COA7-related conditions. Algorithms developed to predict the effect of missense changes on protein structure and function are either unavailable or do not agree on the potential impact of this missense change (SIFT: "Tolerated"; PolyPhen-2: "Possibly Damaging"; Align-GVGD: "Class C0"). In summary, the available evidence is currently insufficient to determine the role of this variant in disease. Therefore, it has been classified as a Variant of Uncertain Significance.